The following is an entry in ClinVar:

ClinVar aggregate classification (germline): Likely benign (1 of 4 stars; one submission).

Allele frequency attached by ClinVar (database versions not stated): TOPMed below 0.00001.
gnomAD v4.1: 4 of 1,613,980 alleles (0.00025%); highest among the groups gnomAD compares: Non-Finnish European, 0.000085%; no homozygotes.

Submission:

CeGaT Center for Human Genetics Tuebingen
Classification: Likely benign. Last evaluated: 2023-12-01. Review status: criteria provided, single submitter. Criteria: CeGaT Center For Human Genetics Tuebingen Variant Classification Criteria Version 2. Collection method: clinical testing. Allele origin: germline. Affected: yes. Observed: 1 variant allele.
Comment: SRCAP: PM2:Supporting, BP4, BP7

NM_006662.3(SRCAP):c.3732A>G (p.Ala1244=)

Gene: SRCAP (Snf2 related CREBBP activator protein; plus strand). Cytogenetic location: 16p11.2.
Variant type: single nucleotide variant.
Coding change: c.3732A>G on transcript NM_006662.3 (MANE Select); coding-DNA position 3732, A replaced by G.
Protein change: p.Ala1244=; no amino-acid change (alanine 1244 retained).
Molecular consequence: synonymous variant.
Genome position (GRCh38, 1-based): chr16:30,722,588, A>G. VCF-style: chr16-30722588-A-G. GRCh37 (hg19) VCF-style: chr16-30733909-A-G.
Identifiers: ClinVar variation 3026605 (VCV003026605.22), dbSNP rs1302301350, ClinGen allele CA494672888.